The following is an entry in ClinVar:

NM_152281.3(GORAB):c.276del (p.Ser93fs)

Gene: GORAB (golgin, RAB6 interacting; plus strand). Cytogenetic location: 1q24.2.
Variant type: Deletion.
Coding change: c.276del on transcript NM_152281.3 (MANE Select); coding-DNA position 276, one base deleted (C; older notation c.276delC).
Protein change: p.Ser93fs; shifts the reading frame from serine 93.
Molecular consequence: frameshift variant. On other transcripts: 5 prime UTR variant (1), non-coding transcript variant (1).
Genome position (GRCh38, 1-based): chr1:170,539,424, C deleted; the last of 2 consecutive C bases (chr1:170,539,423-170,539,424); deleting either gives the same sequence. VCF-style (leftmost placement, unchanged base first): chr1-170539422-AC-A. GRCh37 (hg19) VCF-style: chr1-170508563-AC-A.
Other names: c.276del, p.Ser93fs (NM_001146039.2); c.-190del (NM_001320252.2); short protein forms S93fs.
Identifiers: ClinVar variation 1355774 (VCV001355774.6), dbSNP rs1558004538, ClinGen allele CA527131868.

ClinVar aggregate classification (germline): Pathogenic (1 of 4 stars; one submission).

Submission:

Labcorp Genetics (formerly Invitae), Labcorp
Classification: Pathogenic. Last evaluated: 2023-12-02. Review status: criteria provided, single submitter. Criteria: Invitae Variant Classification Sherloc (09022015). Collection method: clinical testing. Allele origin: germline.
Comment: This sequence change creates a premature translational stop signal (p.Ser118Profs*63) in the GORAB gene. It is expected to result in an absent or disrupted protein product. Loss-of-function variants in GORAB are known to be pathogenic (PMID: 18997784, 19681135). This variant is present in population databases (no rsID available, gnomAD 0.0009%). This variant has not been reported in the literature in individuals affected with GORAB-related conditions. ClinVar contains an entry for this variant (Variation ID: 1355774). For these reasons, this variant has been classified as Pathogenic.

Literature cited by the submitters: PubMed 18997784; PubMed 19681135.